The following is an entry in ClinVar:

NM_004973.4(JARID2):c.3681C>T (p.Asp1227=)

Gene: JARID2 (jumonji and AT-rich interaction domain containing 2; plus strand). Cytogenetic location: 6p22.3.
Variant type: single nucleotide variant.
Coding change: c.3681C>T on transcript NM_004973.4 (MANE Select); coding-DNA position 3681, C replaced by T.
Protein change: p.Asp1227=; no amino-acid change (aspartic acid 1227 retained).
Molecular consequence: synonymous variant.
Genome position (GRCh38, 1-based): chr6:15,520,191, C>T. VCF-style: chr6-15520191-C-T. GRCh37 (hg19) VCF-style: chr6-15520422-C-T.
Other names: c.3165C>T, p.Asp1055= (NM_001267040.1).
Identifiers: ClinVar variation 3041962 (VCV003041962.2), dbSNP rs769330285, ClinGen allele CA3643578.

ClinVar aggregate classification (germline): Likely benign (0 of 4 stars; one submission).

Conditions:
JARID2-related disorder. Also called: JARID2-related condition.

Allele frequency attached by ClinVar (database versions not stated): gnomAD 0.00003; gnomAD exomes 0.00004; TOPMed 0.00004; ExAC 0.00007.
gnomAD v4.1: 59 of 1,613,570 alleles (0.0037%); highest among the groups gnomAD compares: East Asian, 0.016%; no homozygotes.

Submission:

PreventionGenetics, part of Exact Sciences
Classification: Likely benign for JARID2-related condition. Last evaluated: 2019-05-09. Review status: no assertion criteria provided. Collection method: clinical testing. Allele origin: germline.
Comment: This variant is classified as likely benign based on ACMG/AMP sequence variant interpretation guidelines (Richards et al. 2015 PMID: 25741868, with internal and published modifications).